The following is an entry in ClinVar:

NM_014053.4(FLVCR1):c.962A>G (p.Tyr321Cys)

Gene: FLVCR1 (FLVCR choline and heme transporter 1; plus strand). Cytogenetic location: 1q32.3.
Variant type: single nucleotide variant.
Coding change: c.962A>G on transcript NM_014053.4 (MANE Select); coding-DNA position 962, A replaced by G.
Protein change: p.Tyr321Cys; replaces tyrosine 321 with cysteine.
Molecular consequence: missense variant.
Genome position (GRCh38, 1-based): chr1:212,872,756, A>G. VCF-style: chr1-212872756-A-G. GRCh37 (hg19) VCF-style: chr1-213046098-A-G.
Other names: short protein forms Y321C.
Identifiers: ClinVar variation 295320 (VCV000295320.12), dbSNP rs142749772, ClinGen allele CA1386008.

ClinVar aggregate classification (germline): Uncertain significance. Review status: criteria provided, multiple submitters, no conflicts (2 of 4 stars). 3 submissions from 3 submitters: Uncertain significance (3). Last evaluated 2025-12-08.

Conditions:
Posterior column ataxia-retinitis pigmentosa syndrome (RETSNS). Also called: RETINOPATHY-SENSORY NEUROPATHY SYNDROME. Identifiers: Orphanet 88628, MedGen C1836916, MONDO:0012177, OMIM 609033.
Inborn genetic diseases. Identifiers: MedGen C0950123, MeSH D030342.

Allele frequency attached by ClinVar (database versions not stated): ExAC 0.00002; gnomAD exomes 0.00004; ESP Exome Variant Server 0.00008; gnomAD 0.00003; TOPMed 0.00002.
gnomAD v4.1: 60 of 1,613,776 alleles (0.0037%); highest among the groups gnomAD compares: Non-Finnish European, 0.0037%; 1 homozygote.

Submissions (3):

Ambry Genetics
Classification: Uncertain significance for Inborn genetic diseases. Last evaluated: 2025-12-08. Review status: criteria provided, single submitter. Criteria: Ambry Variant Classification Scheme 2023. Collection method: clinical testing. Allele origin: germline.

Labcorp Genetics (formerly Invitae), Labcorp
Classification: Uncertain significance. Last evaluated: 2024-05-09. Review status: criteria provided, single submitter. Criteria: Invitae Variant Classification Sherloc (09022015). Collection method: clinical testing. Allele origin: germline.
Comment: This sequence change replaces tyrosine, which is neutral and polar, with cysteine, which is neutral and slightly polar, at codon 321 of the FLVCR1 protein (p.Tyr321Cys). This variant is present in population databases (rs142749772, gnomAD 0.07%). This variant has not been reported in the literature in individuals affected with FLVCR1-related conditions. ClinVar contains an entry for this variant (Variation ID: 295320). Advanced modeling of protein sequence and biophysical properties (such as structural, functional, and spatial information, amino acid conservation, physicochemical variation, residue mobility, and thermodynamic stability) performed at Invitae indicates that this missense variant is expected to disrupt FLVCR1 protein function with a positive predictive value of 80%. In summary, the available evidence is currently insufficient to determine the role of this variant in disease. Therefore, it has been classified as a Variant of Uncertain Significance.

Illumina Laboratory Services, Illumina
Classification: Uncertain significance for Posterior column ataxia-retinitis pigmentosa syndrome. Last evaluated: 2018-01-13. Review status: criteria provided, single submitter. Criteria: ICSL Variant Classification Criteria 13 December 2019. Collection method: clinical testing. Allele origin: germline.